The following is an entry in ClinVar:

NM_003072.5(SMARCA4):c.826C>T (p.Pro276Ser)

Gene: SMARCA4 (SWI/SNF related BAF chromatin remodeling complex subunit ATPase 4; plus strand). Cytogenetic location: 19p13.2.
Variant type: single nucleotide variant.
Coding change: c.826C>T on transcript NM_003072.5 (MANE Select); coding-DNA position 826, C replaced by T.
Protein change: p.Pro276Ser; replaces proline 276 with serine.
Molecular consequence: missense variant. On other transcripts: non-coding transcript variant (1).
Genome position (GRCh38, 1-based): chr19:10,986,970, C>T. VCF-style: chr19-10986970-C-T. GRCh37 (hg19) VCF-style: chr19-11097646-C-T.
Other names: c.826C>T, p.Pro276Ser (NM_001128844.3, NM_001128845.2, NM_001128846.2 and 6 more transcripts); short protein forms P276S.
Identifiers: ClinVar variation 1762692 (VCV001762692.3), dbSNP rs1238171014, ClinGen allele CA404058076.

ClinVar aggregate classification (germline): Uncertain significance. Review status: criteria provided, multiple submitters, no conflicts (2 of 4 stars). 2 submissions from 2 submitters: Uncertain significance (2). Last evaluated 2024-02-06.

Conditions:
Hereditary cancer-predisposing syndrome. Also called: Neoplastic Syndromes, Hereditary; Tumor predisposition; Hereditary Cancer Syndrome; Hereditary neoplastic syndrome. Identifiers: Orphanet 140162, MedGen C0027672, MeSH D009386, MONDO:0015356.
Rhabdoid tumor predisposition syndrome 2 (RTPS2). Identifiers: Orphanet 231108, Orphanet 69077, MedGen C2750074, MONDO:0013224, OMIM 613325.

Allele frequency attached by ClinVar (database versions not stated): gnomAD exomes below 0.00001; TOPMed below 0.00001; gnomAD 0.00001.
gnomAD v4.1: 2 of 1,608,500 alleles (0.00012%); highest among the groups gnomAD compares: Non-Finnish European, 0.00017%; no homozygotes.

Submissions (2):

Ambry Genetics
Classification: Uncertain significance for Hereditary cancer-predisposing syndrome. Last evaluated: 2024-02-06. Review status: criteria provided, single submitter. Criteria: Ambry Variant Classification Scheme 2023. Collection method: clinical testing. Allele origin: germline.
Comment: The p.P276S variant (also known as c.826C>T), located in coding exon 4 of the SMARCA4 gene, results from a C to T substitution at nucleotide position 826. The proline at codon 276 is replaced by serine, an amino acid with similar properties. This amino acid position is well conserved in available vertebrate species. In addition, this alteration is predicted to be tolerated by in silico analysis. Based on the available evidence, the clinical significance of this alteration remains unclear.

Labcorp Genetics (formerly Invitae), Labcorp
Classification: Uncertain significance for Rhabdoid tumor predisposition syndrome 2. Last evaluated: 2022-11-09. Review status: criteria provided, single submitter. Criteria: Invitae Variant Classification Sherloc (09022015). Collection method: clinical testing. Allele origin: germline.
Comment: This sequence change replaces proline, which is neutral and non-polar, with serine, which is neutral and polar, at codon 276 of the SMARCA4 protein (p.Pro276Ser). In summary, the available evidence is currently insufficient to determine the role of this variant in disease. Therefore, it has been classified as a Variant of Uncertain Significance. Advanced modeling of protein sequence and biophysical properties (such as structural, functional, and spatial information, amino acid conservation, physicochemical variation, residue mobility, and thermodynamic stability) performed at Invitae indicates that this missense variant is not expected to disrupt SMARCA4 protein function. This variant has not been reported in the literature in individuals affected with SMARCA4-related conditions. This variant is not present in population databases (gnomAD no frequency).